The following is an entry in ClinVar:

NM_002471.4(MYH6):c.4981G>T (p.Asp1661Tyr)

Genes: MYH6 (myosin heavy chain 6; minus strand), LOC126861896 (BRD4-independent group 4 enhancer GRCh37_chr14:23854904-23856103; plus strand). Cytogenetic location: 14q11.2.
Variant type: single nucleotide variant.
Coding change: c.4981G>T on transcript NM_002471.4 (MANE Select); coding-DNA position 4981, G replaced by T.
Protein change: p.Asp1661Tyr; replaces aspartic acid 1661 with tyrosine.
Molecular consequence: missense variant.
Genome position (GRCh38, 1-based): chr14:23,386,110, C>A on the plus strand (G>T on the coding strand, the complement: MYH6 is on the minus strand). VCF-style: chr14-23386110-C-A. GRCh37 (hg19) VCF-style: chr14-23855319-C-A.
Other names: short protein forms D1661Y.
Identifiers: ClinVar variation 3694934 (VCV003694934.2).

ClinVar aggregate classification (germline): Uncertain significance (1 of 4 stars; one submission).

Conditions:
Hypertrophic cardiomyopathy 14. Identifiers: MedGen C2750467, MONDO:0013197, OMIM 613251.

Submission:

Labcorp Genetics (formerly Invitae), Labcorp
Classification: Uncertain significance for Hypertrophic cardiomyopathy 14. Last evaluated: 2024-07-03. Review status: criteria provided, single submitter. Criteria: Invitae Variant Classification Sherloc (09022015). Collection method: clinical testing. Allele origin: germline.
Comment: This sequence change replaces aspartic acid, which is acidic and polar, with tyrosine, which is neutral and polar, at codon 1661 of the MYH6 protein (p.Asp1661Tyr). This variant is present in population databases (no rsID available, gnomAD 0.0009%). This variant has not been reported in the literature in individuals affected with MYH6-related conditions. Advanced modeling of protein sequence and biophysical properties (such as structural, functional, and spatial information, amino acid conservation, physicochemical variation, residue mobility, and thermodynamic stability) performed at Invitae indicates that this missense variant is expected to disrupt MYH6 protein function with a positive predictive value of 80%. In summary, the available evidence is currently insufficient to determine the role of this variant in disease. Therefore, it has been classified as a Variant of Uncertain Significance.